The following is an entry in ClinVar:

ClinVar aggregate classification (germline): Pathogenic/Likely pathogenic. Review status: criteria provided, multiple submitters, no conflicts (2 of 4 stars). 3 submissions from 3 submitters: Pathogenic (1); Likely pathogenic (2). Last evaluated 2025-10-02.

Conditions:
Niemann-Pick disease, type B. Also called: Chronic Visceral ASMD (Niemann-Pick Disease Type B; NPD-B). Identifiers: Orphanet 77293, MedGen C0268243, MONDO:0011871, OMIM 607616. Disease mechanism: loss of function.
Niemann-Pick disease, type A. Also called: Infantile Neurovisceral ASMD (Niemann-Pick Disease Type A; NPD-A); SPHINGOMYELIN LIPIDOSIS; SPHINGOMYELINASE DEFICIENCY. Identifiers: Orphanet 77292, MedGen C0268242, MONDO:0009756, OMIM 257200. Disease mechanism: loss of function.

Allele frequency attached by ClinVar (database versions not stated): TOPMed below 0.00001.

Submissions (3):

Natera, Inc.
Classification: Pathogenic for Niemann-Pick Disease, Types A/B. Last evaluated: 2025-10-02. Review status: criteria provided, single submitter. Criteria: Natera Variant Classification Schema (03/2026). Collection method: clinical testing. Allele origin: germline.
Comment: The c.1340+2T>C variant in SMPD1 is a canonical splice donor site variant predicted to affect pre-mRNA splicing, which may result in an abnormal transcript and altered protein product. This variant is expected to result in nonsense mediated decay, truncation, or a dysfunctional protein product. This variant is rare in the general population with a frequency below the threshold expected for the associated phenotype(s). Another variant at this same site results in an alteration predicted to cause a similar molecular effect has been observed in individual(s) with the associated phenotype. Given the available evidence, this variant is classified as Pathogenic.

Baylor Genetics
Classification: Likely pathogenic for Niemann-Pick disease, type A. Last evaluated: 2023-04-05. Review status: criteria provided, single submitter. Criteria: ACMG Guidelines, 2015. Collection method: clinical testing. Allele origin: unknown.

Labcorp Genetics (formerly Invitae), Labcorp
Classification: Likely pathogenic for Niemann-Pick disease, type B; Niemann-Pick disease, type A. Last evaluated: 2022-05-11. Review status: criteria provided, single submitter. Criteria: Invitae Variant Classification Sherloc (09022015). Collection method: clinical testing. Allele origin: germline.
Comment: In summary, the currently available evidence indicates that the variant is pathogenic, but additional data are needed to prove that conclusively. Therefore, this variant has been classified as Likely Pathogenic. Algorithms developed to predict the effect of sequence changes on RNA splicing suggest that this variant may disrupt the consensus splice site. Disruption of this splice site has been observed in individual(s) with acid sphingomyelinase deficiency (PMID: 27884455). This variant is present in population databases (no rsID available, gnomAD 0.01%). This sequence change affects a donor splice site in intron 4 of the SMPD1 gene. It is expected to disrupt RNA splicing. Variants that disrupt the donor or acceptor splice site typically lead to a loss of protein function (PMID: 16199547), and loss-of-function variants in SMPD1 are known to be pathogenic (PMID: 12369017, 15221801).

Literature cited by the submitters: PubMed 27884455 (cited by Labcorp Genetics (formerly Invitae), Labcorp); PubMed 16199547 (cited by Labcorp Genetics (formerly Invitae), Labcorp); PubMed 12369017 (cited by Labcorp Genetics (formerly Invitae), Labcorp); PubMed 15221801 (cited by Labcorp Genetics (formerly Invitae), Labcorp).

NM_000543.5(SMPD1):c.1340+2T>C

Gene: SMPD1 (sphingomyelin phosphodiesterase 1; plus strand). Cytogenetic location: 11p15.4.
Variant type: single nucleotide variant.
Coding change: c.1340+2T>C on transcript NM_000543.5 (MANE Select); the canonical splice donor site of the intron after coding-DNA position 1340, T replaced by C.
Molecular consequence: splice donor variant.
Genome position (GRCh38, 1-based): chr11:6,393,695, T>C. VCF-style: chr11-6393695-T-C. GRCh37 (hg19) VCF-style: chr11-6414925-T-C.
Other names: c.419+2T>C (NM_001318088.2); c.1208+2T>C (NM_001365135.2); c.1340+2T>C (NM_001318087.2, NM_000543.4); c.1337+2T>C (NM_001007593.3).
Identifiers: ClinVar variation 1992992 (VCV001992992.6), dbSNP rs1301641750, ClinGen allele CA379374624.
Genomic context (GRCh38, chr11:6,393,695, plus strand): 5'-ATTCCCCCAGGGCACTGTCTGAAGAGCTGGAGCTGGAATTATTACCGAATTGTAGCCAGG[T>C]AGGACGGAGATGAGGGTGGGAATAGGGACAGGGTGAGTGTCTGAAGGCTGAAAATTCCCT-3'